The following is an entry in ClinVar:

NM_001482.3(GATM):c.566G>T (p.Arg189Leu)

Gene: GATM (glycine amidinotransferase; minus strand). Cytogenetic location: 15q21.1.
Variant type: single nucleotide variant.
Coding change: c.566G>T on transcript NM_001482.3 (MANE Select); coding-DNA position 566, G replaced by T.
Protein change: p.Arg189Leu; replaces arginine 189 with leucine.
Molecular consequence: missense variant.
Genome position (GRCh38, 1-based): chr15:45,368,179, C>A on the plus strand (G>T on the coding strand, the complement: GATM is on the minus strand). VCF-style: chr15-45368179-C-A. GRCh37 (hg19) VCF-style: chr15-45660377-C-A.
Other names: c.179G>T, p.Arg60Leu (NM_001321015.2); short protein forms R60L, R189L.
Identifiers: ClinVar variation 2793358 (VCV002793358.3), dbSNP rs2140644856, ClinGen allele CA392261061.

ClinVar aggregate classification (germline): Uncertain significance (1 of 4 stars; one submission).

Conditions:
Arginine:glycine amidinotransferase deficiency (CCDS3). Also called: L-Arginine:Glycine Amidinotransferase (AGAT) Deficiency; AGAT deficiency; L-Arginine:Glycine Amidinotransferase Deficiency; Cerebral creatine deficiency syndrome 3; Creatine deficiency syndrome due to AGAT deficiency; GATM deficiency. Identifiers: Orphanet 35704, MedGen C2675179, MONDO:0012996, OMIM 612718.

Submission:

Labcorp Genetics (formerly Invitae), Labcorp
Classification: Uncertain significance for Arginine:glycine amidinotransferase deficiency. Last evaluated: 2024-02-19. Review status: criteria provided, single submitter. Criteria: Invitae Variant Classification Sherloc (09022015). Collection method: clinical testing. Allele origin: germline.
Comment: This sequence change replaces arginine, which is basic and polar, with leucine, which is neutral and non-polar, at codon 189 of the GATM protein (p.Arg189Leu). This variant is not present in population databases (gnomAD no frequency). This variant has not been reported in the literature in individuals affected with GATM-related conditions. Advanced modeling of protein sequence and biophysical properties (such as structural, functional, and spatial information, amino acid conservation, physicochemical variation, residue mobility, and thermodynamic stability) performed at Invitae indicates that this missense variant is expected to disrupt GATM protein function with a positive predictive value of 80%. In summary, the available evidence is currently insufficient to determine the role of this variant in disease. Therefore, it has been classified as a Variant of Uncertain Significance.